The following is an entry in ClinVar:

NM_001353345.2(SETD1B):c.2056G>C (p.Gly686Arg)

Gene: SETD1B (SET domain containing 1B, histone lysine methyltransferase; plus strand). Cytogenetic location: 12q24.31.
Variant type: single nucleotide variant.
Coding change: c.2056G>C on transcript NM_001353345.2 (MANE Select); coding-DNA position 2056, G replaced by C.
Protein change: p.Gly686Arg; replaces glycine 686 with arginine.
Molecular consequence: missense variant.
Genome position (GRCh38, 1-based): chr12:121,814,271, G>C. VCF-style: chr12-121814271-G-C. GRCh37 (hg19) VCF-style: chr12-122252177-G-C.
Other names: short protein forms G686R.
Identifiers: ClinVar variation 1810015 (VCV001810015.1), dbSNP rs2500199262, ClinGen allele CA386993846.
Genomic context (GRCh38, chr12:121,814,271, plus strand): 5'-GCGGCAGCCGTGGCAGCCCCTTCTGTGCTAGCCCCAACCCTGCCGCTGCCCCCGCCACCT[G>C]GCTTCCCCCCGCTGCCCCCCCCACCACCACCACCCCCACCGCAGCCTGGCTTCCCCATGC-3'
Protein context (NP_001340274.1, residues 676-696): APTLPLPPPP[Gly686Arg]FPPLPPPPPP

ClinVar aggregate classification (germline): Uncertain significance (1 of 4 stars; one submission).

Submission:

GeneDx
Classification: Uncertain significance. Last evaluated: 2022-07-01. Review status: criteria provided, single submitter. Criteria: GeneDx Variant Classification Process June 2021. Collection method: clinical testing. Allele origin: germline. Affected: yes.
Comment: Not observed at significant frequency in large population cohorts (gnomAD); In silico analysis supports that this missense variant has a deleterious effect on protein structure/function; Has not been previously published as pathogenic or benign to our knowledge